The following is an entry in ClinVar:

ClinVar aggregate classification (germline): Benign. Review status: criteria provided, single submitter (1 of 4 stars). 2 submissions from 1 submitter: Benign (2). Last evaluated 2018-01-13.

Conditions:
DNA ligase IV deficiency. Identifiers: Orphanet 99812, MedGen C1847827, MONDO:0011686, OMIM 606593.
Severe combined immunodeficiency due to DCLRE1C deficiency (RS-SCID). Also called: SCID, AUTOSOMAL RECESSIVE, T CELL-NEGATIVE, B CELL-NEGATIVE, NK CELL-POSITIVE, WITH SENSITIVITY TO IONIZING RADIATION. Identifiers: Orphanet 275, MedGen C1865371, MONDO:0011225, OMIM 602450.

Allele frequency attached by ClinVar (database versions not stated): gnomAD 0.03055 and 0.03277; TOPMed 0.03418; 1000 Genomes Project 30x 0.03467; 1000 Genomes Project 0.03514.

Submissions (2):

Illumina Laboratory Services, Illumina
Classification: Benign for Severe combined immunodeficiency due to DCLRE1C deficiency. Last evaluated: 2018-01-13. Review status: criteria provided, single submitter. Criteria: ICSL Variant Classification Criteria 13 December 2019. Collection method: clinical testing. Allele origin: germline.
Comment: This variant was observed in the ICSL laboratory as part of a predisposition screen in an ostensibly healthy population. It had not been previously curated by ICSL or reported in the Human Gene Mutation Database (HGMD: prior to June 1st, 2018), and was therefore a candidate for classification through an automated scoring system. Utilizing variant allele frequency, disease prevalence and penetrance estimates, and inheritance mode, an automated score was calculated to assess if this variant is too frequent to cause the disease. Based on the score and internal cut-off values, a variant classified as benign is not then subjected to further curation. The score for this variant resulted in a classification of benign for this disease.

Illumina Laboratory Services, Illumina
Classification: Benign for DNA ligase IV deficiency. Last evaluated: 2018-01-13. Review status: criteria provided, single submitter. Criteria: ICSL Variant Classification Criteria 13 December 2019. Collection method: clinical testing. Allele origin: germline.
Comment: the same text as in the submission from Illumina Laboratory Services, Illumina above.

NM_206937.2(LIG4):c.*685T>C

Gene: LIG4 (DNA ligase 4; minus strand). Cytogenetic location: 13q33.3.
Variant type: single nucleotide variant.
Coding change: c.*685T>C on transcript NM_206937.2 (MANE Select); 685 bases downstream of the stop codon, T replaced by C.
Molecular consequence: 3 prime UTR variant.
Genome position (GRCh38, 1-based): chr13:108,207,848, A>G on the plus strand (T>C on the coding strand, the complement: LIG4 is on the minus strand). VCF-style: chr13-108207848-A-G. GRCh37 (hg19) VCF-style: chr13-108860196-A-G.
Other names: c.*685T>C (NM_001098268.2, NM_001330595.2, NM_001352598.2 and 8 more transcripts).
Identifiers: ClinVar variation 882773 (VCV000882773.4), dbSNP rs116798101, ClinGen allele CA15790888.
Genomic context (GRCh38, chr13:108,207,848, plus strand): 5'-ATTTATACTGGAATGCAAATTCACATAAAAATACTTCCTTTAAAGCATGTTCTATTTCAC[A>G]CAAGAAATTAAATGTGAGCTACTTTTAAAATTGCAAGCTTTATTTTTAATCAAACCAATT-3'